The following is an entry in ClinVar:

ClinVar aggregate classification (germline): Likely benign (1 of 4 stars; one submission).

Submission:

Women's Health and Genetics/Laboratory Corporation of America, LabCorp
Classification: Likely benign. Last evaluated: 2026-04-17. Review status: criteria provided, single submitter. Criteria: LabCorp Variant Classification Summary - May 2015. Collection method: clinical testing. Allele origin: germline.
Comment: Variant summary: BRCA2 c.7806-9T>C alters a conserved nucleotide located at a position not widely known to affect splicing. Consensus agreement among computation tools predict no significant impact on normal splicing. However, these predictions have yet to be confirmed by functional studies. The variant was absent in 250706 control chromosomes. The available data on variant occurrences in the general population are insufficient to allow any conclusion about variant significance. To our knowledge, no occurrence of c.7806-9T>C in individuals affected with BRCA2-related conditions and no experimental evidence demonstrating its impact on protein function have been reported. No submitters have cited clinical-significance assessments for this variant to ClinVar. Based on the evidence outlined above, the variant was classified as likely benign.

NM_000059.4(BRCA2):c.7806-9T>C

Gene: BRCA2 (BRCA2 DNA repair associated; plus strand). Cytogenetic location: 13q13.1.
Variant type: single nucleotide variant.
Coding change: c.7806-9T>C on transcript NM_000059.4 (MANE Select); 9 bases into the intron before coding-DNA position 7806, T replaced by C.
Molecular consequence: intron variant.
Genome position (GRCh38, 1-based): chr13:32,362,514, T>C. VCF-style: chr13-32362514-T-C. GRCh37 (hg19) VCF-style: chr13-32936651-T-C.
Other names: c.7806-9T>C (NM_001432077.1, NM_001406720.1); c.7710-9T>C (NM_001406719.1); c.2874-9T>C (NM_001406721.1); c.1389-9T>C (NM_001406722.1).
Identifiers: ClinVar variation 4848464 (VCV004848464.1).